The following is an entry in ClinVar:

NM_001286445.3(RIPOR2):c.536del (p.Arg179fs)

Gene: RIPOR2 (RHO family interacting cell polarization regulator 2; minus strand). Cytogenetic location: 6p22.3.
Variant type: Deletion.
Coding change: c.536del on transcript NM_001286445.3 (MANE Select); coding-DNA position 536, one base deleted (G; older notation c.536delG).
Protein change: p.Arg179fs; shifts the reading frame from arginine 179.
Molecular consequence: frameshift variant.
Genome position (GRCh38, 1-based): chr6:24,865,416, C deleted on the plus strand (G on the coding strand, the reverse complement: RIPOR2 is on the minus strand). VCF-style (leftmost placement, unchanged base first): chr6-24865415-TC-T. GRCh37 (hg19) VCF-style: chr6-24865643-TC-T.
Other names: c.551del, p.Arg184fs (NM_001286446.3); c.449del, p.Arg150fs (NM_001286447.2, NM_001346031.2, NM_001346032.2 and 2 more transcripts); short protein forms R184fs, R150fs, R179fs.
Identifiers: ClinVar variation 3693512 (VCV003693512.2).

ClinVar aggregate classification (germline): Uncertain significance (1 of 4 stars; one submission).

Submission:

Labcorp Genetics (formerly Invitae), Labcorp
Classification: Uncertain significance. Last evaluated: 2024-03-07. Review status: criteria provided, single submitter. Criteria: Invitae Variant Classification Sherloc (09022015). Collection method: clinical testing. Allele origin: germline.
Comment: This sequence change creates a premature translational stop signal (p.Arg150Hisfs*10) in the FAM65B gene. It is expected to result in an absent or disrupted protein product. However, the current clinical and genetic evidence is not sufficient to establish whether loss-of-function variants in FAM65B cause disease. This variant is not present in population databases (gnomAD no frequency). This variant has not been reported in the literature in individuals affected with FAM65B-related conditions. In summary, the available evidence is currently insufficient to determine the role of this variant in disease. Therefore, it has been classified as a Variant of Uncertain Significance.